The following is an entry in ClinVar:

ClinVar aggregate classification (germline): Uncertain significance (1 of 4 stars; one submission).

Conditions:
Jeune thoracic dystrophy. Also called: Jeune syndrome; Infantile thoracic dystrophy; Thoracic pelvic phalangeal dystrophy; Jeune's syndrome; Chondroectodermal dysplasia-like syndrome; Short-rib thoracic dysplasia. Identifiers: Orphanet 474, MedGen C0265275, MONDO:0018770.

Submission:

Labcorp Genetics (formerly Invitae), Labcorp
Classification: Uncertain significance for Jeune thoracic dystrophy. Last evaluated: 2023-05-22. Review status: criteria provided, single submitter. Criteria: Invitae Variant Classification Sherloc (09022015). Collection method: clinical testing. Allele origin: germline.
Comment: This sequence change replaces valine, which is neutral and non-polar, with leucine, which is neutral and non-polar, at codon 150 of the IFT80 protein (p.Val150Leu). This variant is not present in population databases (gnomAD no frequency). This variant has not been reported in the literature in individuals affected with IFT80-related conditions. ClinVar contains an entry for this variant (Variation ID: 1494822). Advanced modeling of protein sequence and biophysical properties (such as structural, functional, and spatial information, amino acid conservation, physicochemical variation, residue mobility, and thermodynamic stability) has been performed at Invitae for this missense variant, however the output from this modeling did not meet the statistical confidence thresholds required to predict the impact of this variant on IFT80 protein function. In summary, the available evidence is currently insufficient to determine the role of this variant in disease. Therefore, it has been classified as a Variant of Uncertain Significance.

NM_020800.3(IFT80):c.448G>C (p.Val150Leu)

Genes: TRIM59-IFT80 (TRIM59-IFT80 readthrough (NMD candidate); minus strand), IFT80 (intraflagellar transport 80; minus strand). Cytogenetic location: 3q25.33.
Variant type: single nucleotide variant.
Coding change: c.448G>C on transcript NM_020800.3 (MANE Select); coding-DNA position 448, G replaced by C.
Protein change: p.Val150Leu; replaces valine 150 with leucine.
Molecular consequence: missense variant. On other transcripts: non-coding transcript variant (3).
Genome position (GRCh38, 1-based): chr3:160,366,144, C>G on the plus strand (G>C on the coding strand, the complement: IFT80 is on the minus strand). VCF-style: chr3-160366144-C-G. GRCh37 (hg19) VCF-style: chr3-160083932-C-G.
Other names: c.37G>C, p.Val13Leu (NM_001190241.2, NM_001190242.2); short protein forms V13L, V150L.
Identifiers: ClinVar variation 1494822 (VCV001494822.6), dbSNP rs1721845305, ClinGen allele CA355193408.